The following is an entry in ClinVar:

ClinVar aggregate classification (germline): Pathogenic/Likely pathogenic. Review status: criteria provided, multiple submitters, no conflicts (2 of 4 stars). 3 submissions from 3 submitters: Pathogenic (1); Likely pathogenic (2). Last evaluated 2024-05-15.

Conditions:
Fanconi anemia complementation group I (FANCI). Also called: FANCI-Related Fanconi Anemia. Identifiers: Orphanet 84, MedGen C1836861, MONDO:0012186, OMIM 609053.
Fanconi anemia (FA). Also called: Fanconi's anemia. Identifiers: Orphanet 84, MedGen C0015625, MeSH D005199, MONDO:0019391.

Allele frequency attached by ClinVar (database versions not stated): gnomAD exomes below 0.00001; TOPMed 0.00001.

Submissions (3):

Labcorp Genetics (formerly Invitae), Labcorp
Classification: Pathogenic for Fanconi anemia. Last evaluated: 2024-05-15. Review status: criteria provided, single submitter. Criteria: Invitae Variant Classification Sherloc (09022015). Collection method: clinical testing. Allele origin: germline.
Comment: This sequence change creates a premature translational stop signal (p.Lys1040Glufs*8) in the FANCI gene. It is expected to result in an absent or disrupted protein product. Loss-of-function variants in FANCI are known to be pathogenic (PMID: 17452773, 17460694). This variant is not present in population databases (gnomAD no frequency). This variant has not been reported in the literature in individuals affected with FANCI-related conditions. ClinVar contains an entry for this variant (Variation ID: 1438031). For these reasons, this variant has been classified as Pathogenic.

Baylor Genetics
Classification: Likely pathogenic for Fanconi anemia complementation group I. Last evaluated: 2023-08-30. Review status: criteria provided, single submitter. Criteria: ACMG Guidelines, 2015. Collection method: clinical testing. Allele origin: unknown.

Fulgent Genetics
Classification: Likely pathogenic for Fanconi anemia complementation group I. Last evaluated: 2022-01-11. Review status: criteria provided, single submitter. Criteria: ACMG Guidelines, 2015. Collection method: clinical testing. Allele origin: unknown.

Literature cited by the submitters: PubMed 17452773 (cited by Labcorp Genetics (formerly Invitae), Labcorp); PubMed 17460694 (cited by Labcorp Genetics (formerly Invitae), Labcorp).

NM_001113378.2(FANCI):c.3118_3119del (p.Lys1040fs)

Gene: FANCI (FA complementation group I; plus strand). Cytogenetic location: 15q26.1.
Variant type: Deletion.
Coding change: c.3118_3119del on transcript NM_001113378.2 (MANE Select); coding-DNA positions 3118 to 3119, 2 bases deleted (AA; older notation c.3118_3119delAA).
Protein change: p.Lys1040fs; shifts the reading frame from lysine 1040.
Molecular consequence: frameshift variant.
Genome position (GRCh38, 1-based): chr15:89,305,174-89,305,175, AA deleted. VCF-style (leftmost placement, unchanged base first): chr15-89305173-TAA-T. GRCh37 (hg19) VCF-style: chr15-89848404-TAA-T.
Other names: c.2839_2840del, p.Lys947fs (NM_001376910.1); c.3118_3119del, p.Lys1040fs (NM_001376911.1); c.2938_2939del, p.Lys980fs (NM_018193.3); short protein forms K980fs, K1040fs, K947fs.
Identifiers: ClinVar variation 1438031 (VCV001438031.8), dbSNP rs907106559, ClinGen allele CA274525271.